The following is an entry in ClinVar:

NM_004525.3(LRP2):c.10417A>G (p.Asn3473Asp)

Gene: LRP2 (LDL receptor related protein 2; minus strand). Cytogenetic location: 2q31.1.
Variant type: single nucleotide variant.
Coding change: c.10417A>G on transcript NM_004525.3 (MANE Select); coding-DNA position 10417, A replaced by G.
Protein change: p.Asn3473Asp; replaces asparagine 3473 with aspartic acid.
Molecular consequence: missense variant.
Genome position (GRCh38, 1-based): chr2:169,176,565, T>C on the plus strand (A>G on the coding strand, the complement: LRP2 is on the minus strand). VCF-style: chr2-169176565-T-C. GRCh37 (hg19) VCF-style: chr2-170033075-T-C.
Other names: short protein forms N3473D.
Identifiers: ClinVar variation 1427058 (VCV001427058.8), dbSNP rs2105286623, ClinGen allele CA349148042.
Genomic context (GRCh38, chr2:169,176,565, plus strand): 5'-ACTCGCAAGTGAACCCTTTTCCTCCTGGCTTGATGAGGCAGAGATGAGAACAGCCACCAT[T>C]GTTGGTACCACAGGGATTGCTCACTAGTGGAAAAGGAAGAAAATATGTGTTCATTTGCTG-3'
Protein context (NP_004516.2, residues 3463-3483): PIVSNPCGTN[Asn3473Asp]GGCSHLCLIK

ClinVar aggregate classification (germline): Uncertain significance (1 of 4 stars; one submission).

Allele frequency attached by ClinVar (database versions not stated): gnomAD 0.00001.
gnomAD v4.1: 1 of 1,614,086 alleles (0.000062%); highest among the groups gnomAD compares: Non-Finnish European, 0.000085%; no homozygotes.

Submission:

Labcorp Genetics (formerly Invitae), Labcorp
Classification: Uncertain significance. Last evaluated: 2021-05-10. Review status: criteria provided, single submitter. Criteria: Invitae Variant Classification Sherloc (09022015). Collection method: clinical testing. Allele origin: germline.
Comment: This sequence change replaces asparagine with aspartic acid at codon 3473 of the LRP2 protein (p.Asn3473Asp). The asparagine residue is highly conserved and there is a small physicochemical difference between asparagine and aspartic acid. This variant is not present in population databases (ExAC no frequency). This variant has not been reported in the literature in individuals with LRP2-related conditions. Advanced modeling of protein sequence and biophysical properties (such as structural, functional, and spatial information, amino acid conservation, physicochemical variation, residue mobility, and thermodynamic stability) performed at Invitae indicates that this missense variant is expected to disrupt LRP2 protein function. In summary, the available evidence is currently insufficient to determine the role of this variant in disease. Therefore, it has been classified as a Variant of Uncertain Significance.